The following is an entry in ClinVar:

ClinVar aggregate classification (germline): Likely benign. Review status: criteria provided, multiple submitters, no conflicts (2 of 4 stars). 2 submissions from 2 submitters: Likely benign (2). Last evaluated 2026-01-15.

Conditions:
Muscular dystrophy-dystroglycanopathy (congenital with brain and eye anomalies), type A14. Also called: WALKER-WARBURG SYNDROME OR MUSCLE-EYE-BRAIN DISEASE, GMPPB-RELATED; Muscular dystrophy-dystroglycanopathy (congenital with brain and eye anomalies), type a, 14; Congenital Muscular Dystrophy-Dystroglycanopathy with Brain and Eye Anomalies Type A 14; Congenital muscular dystrophy-dystroglycanopathy with brain and eye anomalies, type A14. Identifiers: Orphanet 588, MedGen C3809216, MONDO:0014140, OMIM 615350.
Muscular dystrophy-dystroglycanopathy (congenital with impaired intellectual development), type B, 14. Also called: Muscular dystrophy-dystroglycanopathy (congenital with intellectual disability), type B14; MUSCULAR DYSTROPHY, CONGENITAL, GMPPB-RELATED; Congenital muscular dystrophy-dystroglycanopathy with mental retardation, type B14. Identifiers: MedGen C3809221, MONDO:0014141, OMIM 615351.
Autosomal recessive limb-girdle muscular dystrophy type 2T. Also called: MUSCULAR DYSTROPHY-DYSTROGLYCANOPATHY, LIMB-GIRDLE, GMPPB-RELATED; MUSCULAR DYSTROPHY, LIMB-GIRDLE, TYPE 2T; Muscular dystrophy-dystroglycanopathy (limb-girdle), type c, 14; Limb-girdle muscular dystrophy-dystroglycanopathy, type C14. Identifiers: Orphanet 363623, MedGen C4518000, MONDO:0014142, OMIM 615352.

Allele frequency attached by ClinVar (database versions not stated): gnomAD 0.00024 and 0.00021; gnomAD exomes 0.00005; ESP Exome Variant Server 0.00015; ExAC 0.00004; TOPMed 0.00024.

Submissions (2):

Labcorp Genetics (formerly Invitae), Labcorp
Classification: Likely benign for Autosomal recessive limb-girdle muscular dystrophy type 2T; Muscular dystrophy-dystroglycanopathy (congenital with brain and eye anomalies), type A14; Muscular dystrophy-dystroglycanopathy (congenital with impaired intellectual development), type B, 14. Last evaluated: 2026-01-15. Review status: criteria provided, single submitter. Criteria: Invitae Variant Classification Sherloc (09022015). Collection method: clinical testing. Allele origin: germline.

GeneDx
Classification: Likely benign. Last evaluated: 2016-11-01. Review status: criteria provided, single submitter. Criteria: GeneDx Variant Classification (06012015). Collection method: clinical testing. Allele origin: germline. Affected: yes.
Comment: This variant is considered likely benign or benign based on one or more of the following criteria: it is a conservative change, it occurs at a poorly conserved position in the protein, it is predicted to be benign by multiple in silico algorithms, and/or has population frequency not consistent with disease.

NM_021971.4(GMPPB):c.702G>A (p.Gln234=)

Gene: GMPPB (GDP-mannose pyrophosphorylase B; minus strand). Cytogenetic location: 3p21.31.
Variant type: single nucleotide variant.
Coding change: c.702G>A on transcript NM_021971.4 (MANE Select); coding-DNA position 702, G replaced by A.
Protein change: p.Gln234=; no amino-acid change (glutamine 234 retained).
Molecular consequence: synonymous variant.
Genome position (GRCh38, 1-based): chr3:49,722,297, C>T on the plus strand (G>A on the coding strand, the complement: GMPPB is on the minus strand). VCF-style: chr3-49722297-C-T. GRCh37 (hg19) VCF-style: chr3-49759730-C-T.
Other names: c.702G>A, p.Gln234= (NM_013334.4).
Identifiers: ClinVar variation 390171 (VCV000390171.11), dbSNP rs368795315, ClinGen allele CA2405468.